The following is an entry in ClinVar:

NM_018941.4(CLN8):c.227A>G (p.Gln76Arg)

Gene: CLN8 (CLN8 transmembrane ER and ERGIC protein; plus strand). Cytogenetic location: 8p23.3.
Variant type: single nucleotide variant.
Coding change: c.227A>G on transcript NM_018941.4 (MANE Select); coding-DNA position 227, A replaced by G.
Protein change: p.Gln76Arg; replaces glutamine 76 with arginine.
Molecular consequence: missense variant.
Genome position (GRCh38, 1-based): chr8:1,771,281, A>G. VCF-style: chr8-1771281-A-G. GRCh37 (hg19) VCF-style: chr8-1719447-A-G.
Other names: short protein forms Q76R.
Identifiers: ClinVar variation 56705 (VCV000056705.2), dbSNP rs386834125, ClinGen allele CA264161.
Genomic context (GRCh38, chr8:1,771,281, plus strand): 5'-TGGTGGCCAGAGAGAAGGTCTTCTGGGACCTGGCGGCCACGCGTGCAGTCTTTGGTGTTC[A>G]GAGCACAGCCGCAGGCCTGTGGGCTCTGCTGGGGGACCCTGTGCTGCATGCCGACAAGGC-3'
Protein context (NP_061764.2, residues 66-86): LAATRAVFGV[Gln76Arg]STAAGLWALL

ClinVar aggregate classification (germline): Likely pathogenic (0 of 4 stars; one submission).

Conditions:
Neuronal ceroid lipofuscinosis 8 (CLN8). Also called: CLN8-Related Neuronal Ceroid-Lipofuscinosis. Identifiers: Orphanet 168491, Orphanet 228354, Orphanet 79264, MedGen C1838570, MONDO:0010830, OMIM 600143.

Submission:

Juha Muilu Group; Institute for Molecular Medicine Finland (FIMM)
Classification: Likely pathogenic for Ceroid lipofuscinosis neuronal 8. Review status: no assertion criteria provided. Collection method: not provided. Allele origin: unknown.
Comment: FinDis database variant: This variant was not found or characterized by our laboratory, data were collected from public sources: see reference
ClinVar note: Converted during submission from probable-pathogenic to Likely pathogenic.